The following is an entry in ClinVar:

ClinVar aggregate classification (germline): Uncertain significance (1 of 4 stars; one submission).

Conditions:
Inborn genetic diseases. Identifiers: MedGen C0950123, MeSH D030342.

Submission:

Ambry Genetics
Classification: Uncertain significance for Inborn genetic diseases. Last evaluated: 2026-08-23. Review status: criteria provided, single submitter. Criteria: Ambry Variant Classification Scheme 2023. Collection method: clinical testing. Allele origin: germline.
Comment: The p.V382L variant (also known as c.1144G>C), located in coding exon 9 of the BUB1B gene, results from a G to C substitution at nucleotide position 1144. The valine at codon 382 is replaced by leucine, an amino acid with highly similar properties. This amino acid position is conserved. In addition, this alteration is predicted to be tolerated by in silico analysis. Based on the available evidence, the clinical significance of this variant remains unclear.

NM_001211.6(BUB1B):c.1144G>C (p.Val382Leu)

Gene: BUB1B (BUB1 mitotic checkpoint serine/threonine kinase B; plus strand). Cytogenetic location: 15q15.1.
Variant type: single nucleotide variant.
Coding change: c.1144G>C on transcript NM_001211.6 (MANE Select); coding-DNA position 1144, G replaced by C.
Protein change: p.Val382Leu; replaces valine 382 with leucine.
Molecular consequence: missense variant.
Genome position (GRCh38, 1-based): chr15:40,196,630, G>C. VCF-style: chr15-40196630-G-C. GRCh37 (hg19) VCF-style: chr15-40488831-G-C.
Other names: short protein forms V382L.
Identifiers: ClinVar variation 5033498 (VCV005033498.1).